The following is an entry in ClinVar:

NM_003491.4(NAA10):c.226G>A (p.Ala76Thr)

Gene: NAA10 (N-alpha-acetyltransferase 10, NatA catalytic subunit; minus strand). Cytogenetic location: Xq28.
Variant type: single nucleotide variant.
Coding change: c.226G>A on transcript NM_003491.4 (MANE Select); coding-DNA position 226, G replaced by A.
Protein change: p.Ala76Thr; replaces alanine 76 with threonine.
Molecular consequence: missense variant.
Genome position (GRCh38, 1-based): chrX:153,932,431, C>T on the plus strand (G>A on the coding strand, the complement: NAA10 is on the minus strand). VCF-style: chrX-153932431-C-T. GRCh37 (hg19) VCF-style: chrX-153197884-C-T.
Other names: c.226G>A, p.Ala76Thr (NM_001256119.2); c.208G>A, p.Ala70Thr (NM_001256120.2); short protein forms A70T, A76T.
Identifiers: ClinVar variation 3340772 (VCV003340772.1).

ClinVar aggregate classification (germline): Pathogenic (1 of 4 stars; one submission).

Submission:

GeneDx
Classification: Pathogenic. Last evaluated: 2023-12-25. Review status: criteria provided, single submitter. Criteria: GeneDx Variant Classification Process June 2021. Collection method: clinical testing. Allele origin: germline. Affected: yes.
Comment: Not observed at significant frequency in large population cohorts (gnomAD); In silico analysis supports that this missense variant has a deleterious effect on protein structure/function; Has not been previously published as pathogenic or benign to our knowledge